The following is an entry in ClinVar:

ClinVar aggregate classification (germline): Uncertain significance (1 of 4 stars; one submission).

Conditions:
Infantile-onset X-linked spinal muscular atrophy. Also called: Spinal muscular atrophy, X-linked 2; Spinal Muscular Atrophy, X-Linked Infantile; SPINAL MUSCULAR ATROPHY, X-LINKED LETHAL INFANTILE; AMC, DISTAL, X-LINKED; ARTHROGRYPOSIS, X-LINKED, TYPE I. Identifiers: Orphanet 1145, MedGen C1844934, MONDO:0010532, OMIM 301830.

Allele frequency attached by ClinVar (database versions not stated): gnomAD exomes below 0.00001; TOPMed below 0.00001.
gnomAD v4.1: 3 of 1,209,456 alleles (0.00025%); highest among the groups gnomAD compares: Admixed American, 0.0022%; no homozygotes.

Submission:

Labcorp Genetics (formerly Invitae), Labcorp
Classification: Uncertain significance for Infantile-onset X-linked spinal muscular atrophy. Last evaluated: 2025-10-19. Review status: criteria provided, single submitter. Criteria: Invitae Variant Classification Sherloc (09022015). Collection method: clinical testing. Allele origin: germline.
Comment: This sequence change replaces methionine, which is neutral and non-polar, with valine, which is neutral and non-polar, at codon 220 of the UBA1 protein (p.Met220Val). The frequency data for this variant in the population databases is considered unreliable, as metrics indicate poor data quality at this position in the gnomAD database. This variant has not been reported in the literature in individuals affected with UBA1-related conditions. ClinVar contains an entry for this variant (Variation ID: 2058913). An algorithm developed to predict the effect of missense changes on protein structure and function (PolyPhen-2) suggests that this variant is likely to be disruptive. In summary, the available evidence is currently insufficient to determine the role of this variant in disease. Therefore, it has been classified as a Variant of Uncertain Significance.

NM_003334.4(UBA1):c.658A>G (p.Met220Val)

Gene: UBA1 (ubiquitin like modifier activating enzyme 1; plus strand). Cytogenetic location: Xp11.3.
Variant type: single nucleotide variant.
Coding change: c.658A>G on transcript NM_003334.4 (MANE Select); coding-DNA position 658, A replaced by G.
Protein change: p.Met220Val; replaces methionine 220 with valine.
Molecular consequence: missense variant.
Genome position (GRCh38, 1-based): chrX:47,201,346, A>G. VCF-style: chrX-47201346-A-G. GRCh37 (hg19) VCF-style: chrX-47060745-A-G.
Other names: c.658A>G, p.Met220Val (NM_153280.3); short protein forms M220V.
Identifiers: ClinVar variation 2058913 (VCV002058913.2), dbSNP rs1556787925, ClinGen allele CA412792901.